The following is an entry in ClinVar:

NM_002693.3(POLG):c.1816dup (p.Thr606fs)

Gene: POLG (DNA polymerase gamma, catalytic subunit; minus strand). Cytogenetic location: 15q26.1.
Variant type: Duplication.
Coding change: c.1816dup on transcript NM_002693.3 (MANE Select); coding-DNA position 1816, one base duplicated (A; older notation c.1816dupA).
Protein change: p.Thr606fs; shifts the reading frame from threonine 606.
Molecular consequence: frameshift variant.
Genome position (GRCh38, 1-based): chr15:89,325,583, T duplicated on the plus strand (A on the coding strand, the reverse complement: POLG is on the minus strand). VCF-style (leftmost placement, unchanged base first): chr15-89325582-G-GT. GRCh37 (hg19) VCF-style: chr15-89868813-G-GT.
Other names: p.Thr606AsnfsTer78; c.1816dup, p.Thr606fs (NM_001126131.2); c.1816dup (NM_002693.2); short protein forms T606fs.
Identifiers: ClinVar variation 1163578 (VCV001163578.8), dbSNP rs1319481399, ClinGen allele CA619857412.

ClinVar aggregate classification (germline): Likely pathogenic. Review status: criteria provided, multiple submitters, no conflicts (2 of 4 stars). 3 submissions from 3 submitters: Likely pathogenic (3). Last evaluated 2024-03-25.

Conditions:
Progressive sclerosing poliodystrophy (MTDPS4A). Also called: ALPERS PROGRESSIVE INFANTILE POLIODYSTROPHY; Alpers-Huttenlocher Syndrome (AHS); NEURONAL DEGENERATION OF CHILDHOOD WITH LIVER DISEASE, PROGRESSIVE; Mitochondrial DNA depletion syndrome 4A (Alpers type); Mitochondrial DNA Depletion Syndrome 4A; Alpers Syndrome. Identifiers: Orphanet 726, MedGen C0205710, MONDO:0008758, OMIM 203700.
Mitochondrial DNA depletion syndrome 4b. Also called: Mitochondrial Neurogastrointestinal Encephalopathy Disease, POLG-Related; MNGIE, POLG-RELATED. Identifiers: Orphanet 298, MedGen C3150914, MONDO:0013350, OMIM 613662.

Allele frequency attached by ClinVar (database versions not stated): gnomAD exomes below 0.00001; gnomAD 0.00001.

Submissions (3):

Genomic Medicine Center of Excellence, King Faisal Specialist Hospital and Research Centre
Classification: Likely pathogenic for Mitochondrial DNA depletion syndrome 4b. Last evaluated: 2024-03-25. Review status: criteria provided, single submitter. Criteria: ACMG Guidelines, 2015. Collection method: clinical testing. Allele origin: germline.

Breakthrough Genomics
Classification: Likely pathogenic for Progressive sclerosing poliodystrophy. Last evaluated: 2022-03-10. Review status: criteria provided, single submitter. Criteria: ACMG Guidelines, 2015. Collection method: clinical testing. Allele origin: germline. Affected: yes.
Comment: This variant has not been reported in literature. However, loss-of-function variants in the POLG gene are known to be pathogenic [PMID: 18546365].

Mayo Clinic Laboratories, Mayo Clinic
Classification: Likely pathogenic. Last evaluated: 2019-04-15. Review status: criteria provided, single submitter. Criteria: ACMG Guidelines, 2015. Collection method: clinical testing. Allele origin: germline. Observed: 1 variant allele.
Comment: PVS1, PM2